The following is an entry in ClinVar:

NC_000005.10:g.112707348A>G

Gene: APC (APC regulator of Wnt signaling pathway; plus strand). Cytogenetic location: 5q22.2.
Variant type: single nucleotide variant.
Genome position: GRCh38 VCF-style: chr5-112707348-A-G. GRCh37 (hg19) VCF-style: chr5-112043045-A-G.
Identifiers: ClinVar variation 659458 (VCV000659458.10), dbSNP rs887610659, ClinGen allele CA124924538.

ClinVar aggregate classification (germline): Conflicting classifications of pathogenicity. Review status: criteria provided, conflicting classifications (1 of 4 stars). 2 submissions from 2 submitters: Uncertain significance (1); Likely benign (1). Last evaluated 2026-08-13.

Conditions:
Familial adenomatous polyposis 1 (FAP1). Also called: FAMILIAL ADENOMATOUS POLYPOSIS 1, ATTENUATED; POLYPOSIS, ADENOMATOUS INTESTINAL. Identifiers: MedGen C2713442, MONDO:0021056, OMIM 175100. Disease mechanism: loss of function.
APC-related disorder. Also called: APC-related condition.

Allele frequency attached by ClinVar (database versions not stated): gnomAD 0.00001; gnomAD exomes 0.00003; TOPMed 0.00001.

Submissions (2):

PreventionGenetics, part of Exact Sciences
Classification: Likely benign for APC-related condition. Last evaluated: 2026-08-13. Review status: criteria provided, single submitter. Criteria: ACMG Guidelines, 2015. Collection method: clinical testing. Allele origin: germline.
Comment: This variant is classified as likely benign based on ACMG/AMP sequence variant interpretation guidelines (Richards et al. 2015 PMID: 25741868, with internal and published modifications).

Labcorp Genetics (formerly Invitae), Labcorp
Classification: Uncertain significance for Familial adenomatous polyposis 1. Last evaluated: 2025-06-03. Review status: criteria provided, single submitter. Criteria: Invitae Variant Classification Sherloc (09022015). Collection method: clinical testing. Allele origin: germline.
Comment: This variant occurs in a non-coding region of the APC gene. It does not change the encoded amino acid sequence of the APC protein. This variant is not present in population databases (gnomAD no frequency). This variant has not been reported in the literature in individuals affected with APC-related conditions. ClinVar contains an entry for this variant (Variation ID: 659458). Experimental studies and prediction algorithms are not available or were not evaluated, and the functional significance of this variant is currently unknown. In summary, the available evidence is currently insufficient to determine the role of this variant in disease. Therefore, it has been classified as a Variant of Uncertain Significance.